The following is an entry in ClinVar:

NM_002230.4(JUP):c.209G>A (p.Gly70Asp)

Gene: JUP (junction plakoglobin; minus strand). Cytogenetic location: 17q21.2.
Variant type: single nucleotide variant.
Coding change: c.209G>A on transcript NM_002230.4 (MANE Select); coding-DNA position 209, G replaced by A.
Protein change: p.Gly70Asp; replaces glycine 70 with aspartic acid.
Molecular consequence: missense variant.
Genome position (GRCh38, 1-based): chr17:41,769,677, C>T on the plus strand (G>A on the coding strand, the complement: JUP is on the minus strand). VCF-style: chr17-41769677-C-T. GRCh37 (hg19) VCF-style: chr17-39925929-C-T.
Other names: c.209G>A, p.Gly70Asp (NM_001352773.2, NM_001352774.2, NM_001352775.2 and 3 more transcripts); short protein forms G70D.
Identifiers: ClinVar variation 1720134 (VCV001720134.5), dbSNP rs794729030, ClinGen allele CA399506220.

ClinVar aggregate classification (germline): Uncertain significance (1 of 4 stars; one submission).

Conditions:
Naxos disease (NXD). Also called: KERATOSIS PALMOPLANTARIS WITH ARRHYTHMOGENIC CARDIOMYOPATHY; MAL DE NAXOS; PALMOPLANTAR KERATODERMA WITH ARRHYTHMOGENIC RIGHT VENTRICULAR CARDIOMYOPATHY AND WOOLLY HAIR; WOOLLY HAIR, PALMOPLANTAR KERATODERMA, AND CARDIAC ABNORMALITIES; CARDIOMYOPATHY, ARRHYTHMOGENIC RIGHT VENTRICULAR, WITH SKIN, HAIR, AND NAIL ABNORMALITIES. Identifiers: Orphanet 34217, MedGen C1832600, MONDO:0011017, OMIM 601214.
Arrhythmogenic right ventricular dysplasia 12. Also called: ARRHYTHMOGENIC RIGHT VENTRICULAR DYSPLASIA, FAMILIAL, 12. Identifiers: MedGen C1969081, MONDO:0012684, OMIM 611528.

Submission:

Labcorp Genetics (formerly Invitae), Labcorp
Classification: Uncertain significance for Arrhythmogenic right ventricular dysplasia 12; Naxos disease. Last evaluated: 2022-09-23. Review status: criteria provided, single submitter. Criteria: Invitae Variant Classification Sherloc (09022015). Collection method: clinical testing. Allele origin: germline.
Comment: This variant has not been reported in the literature in individuals affected with JUP-related conditions. This sequence change replaces glycine, which is neutral and non-polar, with aspartic acid, which is acidic and polar, at codon 70 of the JUP protein (p.Gly70Asp). This variant is not present in population databases (gnomAD no frequency). Algorithms developed to predict the effect of missense changes on protein structure and function (SIFT, PolyPhen-2, Align-GVGD) all suggest that this variant is likely to be tolerated. Algorithms developed to predict the effect of sequence changes on RNA splicing suggest that this variant may create or strengthen a splice site. In summary, the available evidence is currently insufficient to determine the role of this variant in disease. Therefore, it has been classified as a Variant of Uncertain Significance.